The following is an entry in ClinVar:

ClinVar aggregate classification (germline): Likely benign (1 of 4 stars; one submission).

Allele frequency attached by ClinVar (database versions not stated): gnomAD 0.00762 and 0.00849; TOPMed 0.00798; 1000 Genomes Project 30x 0.01390; 1000 Genomes Project 0.01458.
gnomAD v4.1: 1,278 of 152,314 alleles (0.84%); highest among the groups gnomAD compares: East Asian, 7.3%; 29 homozygotes.

Submission:

GeneDx
Classification: Likely benign. Last evaluated: 2021-05-15. Review status: criteria provided, single submitter. Criteria: GeneDx Variant Classification Process June 2021. Collection method: clinical testing. Allele origin: germline. Affected: yes.
Comment: See Variant Classification Assertion Criteria.

NM_004715.5(CTDP1):c.864-163G>T

Gene: CTDP1 (CTD phosphatase subunit 1; plus strand). Cytogenetic location: 18q23.
Variant type: single nucleotide variant.
Coding change: c.864-163G>T on transcript NM_004715.5 (MANE Select); 163 bases into the intron before coding-DNA position 864, G replaced by T.
Molecular consequence: intron variant.
Genome position (GRCh38, 1-based): chr18:79,712,809, G>T. VCF-style: chr18-79712809-G-T. GRCh37 (hg19) VCF-style: chr18-77472809-G-T.
Other names: c.864-163G>T (NM_001318511.2, NM_048368.4); c.507-163G>T (NM_001202504.1).
Identifiers: ClinVar variation 1678744 (VCV001678744.2), dbSNP rs76023025, ClinGen allele CA303770588.